The following is an entry in ClinVar:

ClinVar aggregate classification (germline): Uncertain significance. Review status: criteria provided, multiple submitters, no conflicts (2 of 4 stars). 2 submissions from 2 submitters: Uncertain significance (2). Last evaluated 2022-09-02.

Conditions:
Ritscher-Schinzel syndrome. Also called: CRANIOCEREBELLOCARDIAC DYSPLASIA. Identifiers: Orphanet 7, MedGen C0796137, MONDO:0019078.
Hereditary spastic paraplegia 8 (SPG8). Also called: SPASTIC PARAPLEGIA 8, AUTOSOMAL DOMINANT. Identifiers: Orphanet 100989, MedGen C1863704, MONDO:0011339, OMIM 603563.
Inborn genetic diseases. Identifiers: MedGen C0950123, MeSH D030342.

Allele frequency attached by ClinVar (database versions not stated): ExAC 0.00001.
gnomAD v4.1: 6 of 1,614,004 alleles (0.00037%); highest among the groups gnomAD compares: Non-Finnish European, 0.00042%; 1 homozygote.

Submissions (2):

Ambry Genetics
Classification: Uncertain significance for Inborn genetic diseases. Last evaluated: 2022-09-02. Review status: criteria provided, single submitter. Criteria: Ambry Variant Classification Scheme 2023. Collection method: clinical testing. Allele origin: germline.

Labcorp Genetics (formerly Invitae), Labcorp
Classification: Uncertain significance for Ritscher-Schinzel syndrome; Hereditary spastic paraplegia 8. Last evaluated: 2018-01-15. Review status: criteria provided, single submitter. Criteria: Invitae Variant Classification Sherloc (09022015). Collection method: clinical testing. Allele origin: germline.
Comment: In summary, the available evidence is currently insufficient to determine the role of this variant in disease. Therefore, it has been classified as a Variant of Uncertain Significance. Algorithms developed to predict the effect of missense changes on protein structure and function output the following: SIFT: "Tolerated"; PolyPhen-2: "Benign"; Align-GVGD: "Class C0". The valine amino acid residue is found in multiple mammalian species, suggesting that this missense change does not adversely affect protein function. These predictions have not been confirmed by published functional studies and their clinical significance is uncertain. This variant has not been reported in the literature in individuals with WASHC5-related disease. This variant is present in population databases (rs763639768, ExAC 0.001%). This sequence change replaces glycine with valine at codon 668 of the WASHC5 protein (p.Gly668Val). The glycine residue is moderately conserved and there is a moderate physicochemical difference between glycine and valine.

NM_014846.4(WASHC5):c.2003G>T (p.Gly668Val)

Gene: WASHC5 (WASH complex subunit 5; minus strand). Cytogenetic location: 8q24.13.
Variant type: single nucleotide variant.
Coding change: c.2003G>T on transcript NM_014846.4 (MANE Select); coding-DNA position 2003, G replaced by T.
Protein change: p.Gly668Val; replaces glycine 668 with valine.
Molecular consequence: missense variant.
Genome position (GRCh38, 1-based): chr8:125,056,690, C>A on the plus strand (G>T on the coding strand, the complement: WASHC5 is on the minus strand). VCF-style: chr8-125056690-C-A. GRCh37 (hg19) VCF-style: chr8-126068932-C-A.
Other names: c.1559G>T, p.Gly520Val (NM_001330609.2); short protein forms G668V, G520V.
Identifiers: ClinVar variation 581894 (VCV000581894.11), dbSNP rs763639768, ClinGen allele CA4873664.
Genomic context (GRCh38, chr8:125,056,690, plus strand): 5'-CTGTTAGTTTTTAATATGAAAAGGCAGAAGTCAGAGGGACACAGCACCTCGTATCGTGGG[C>A]CTAGCTGAGCATAGTCCCTCAGCTTGTCTTTGTCCAGGCGGGTAGGCACTTCAATAATGT-3'
Protein context (NP_055661.3, residues 658-678): KDKLRDYAQL[Gly668Val]PRYEVAKLTH